The following is an entry in ClinVar:

NM_172240.3(POC1B):c.1414A>C (p.Ser472Arg)

Genes: POC1B (POC1 centriolar protein B; minus strand), POC1B-DUSP6 (POC1B-DUSP6 readthrough; minus strand). Cytogenetic location: 12q21.33.
Variant type: single nucleotide variant.
Coding change: c.1414A>C on transcript NM_172240.3 (MANE Select); coding-DNA position 1414, A replaced by C.
Protein change: p.Ser472Arg; replaces serine 472 with arginine.
Molecular consequence: missense variant. On other transcripts: non-coding transcript variant (2).
Genome position (GRCh38, 1-based): chr12:89,421,176, T>G on the plus strand (A>C on the coding strand, the complement: POC1B is on the minus strand). VCF-style: chr12-89421176-T-G. GRCh37 (hg19) VCF-style: chr12-89814953-T-G.
Other names: c.1288A>C, p.Ser430Arg (NM_001199777.2); short protein forms S430R, S472R.
Identifiers: ClinVar variation 1998489 (VCV001998489.4), dbSNP rs1466342702, ClinGen allele CA385983134.

ClinVar aggregate classification (germline): Uncertain significance (1 of 4 stars; one submission).

Allele frequency attached by ClinVar (database versions not stated): gnomAD exomes below 0.00001.
gnomAD v4.1: 1 of 1,599,462 alleles (0.000063%); highest among the groups gnomAD compares: Non-Finnish European, 0.000086%; no homozygotes.

Submission:

Labcorp Genetics (formerly Invitae), Labcorp
Classification: Uncertain significance. Last evaluated: 2022-05-25. Review status: criteria provided, single submitter. Criteria: Invitae Variant Classification Sherloc (09022015). Collection method: clinical testing. Allele origin: germline.
Comment: In summary, the available evidence is currently insufficient to determine the role of this variant in disease. Therefore, it has been classified as a Variant of Uncertain Significance. Algorithms developed to predict the effect of missense changes on protein structure and function (SIFT, PolyPhen-2, Align-GVGD) all suggest that this variant is likely to be tolerated. This variant has not been reported in the literature in individuals affected with POC1B-related conditions. This variant is not present in population databases (gnomAD no frequency). This sequence change replaces serine, which is neutral and polar, with arginine, which is basic and polar, at codon 472 of the POC1B protein (p.Ser472Arg).